The following is an entry in ClinVar:

NM_001330723.2(SNX27):c.527A>G (p.Asn176Ser)

Gene: SNX27 (sorting nexin 27; plus strand). Cytogenetic location: 1q21.3.
Variant type: single nucleotide variant.
Coding change: c.527A>G on transcript NM_001330723.2 (MANE Select); coding-DNA position 527, A replaced by G.
Protein change: p.Asn176Ser; replaces asparagine 176 with serine.
Molecular consequence: missense variant.
Genome position (GRCh38, 1-based): chr1:151,639,103, A>G. VCF-style: chr1-151639103-A-G. GRCh37 (hg19) VCF-style: chr1-151611579-A-G.
Other names: c.527A>G, p.Asn176Ser (NM_030918.6); short protein forms N176S.
Identifiers: ClinVar variation 970565 (VCV000970565.6), dbSNP rs377039099, ClinGen allele CA30511930.

ClinVar aggregate classification (germline): Uncertain significance (1 of 4 stars; one submission).

Conditions:
Severe myoclonic epilepsy in infancy (DRVT). Also called: SEVERE MYOCLONIC EPILEPSY OF INFANCY; DEVELOPMENTAL AND EPILEPTIC ENCEPHALOPATHY 6A; Dravet syndrome; Epileptic encephalopathy, early infantile, 6 (Dravet syndrome); Severe Myoclonic Epilepsy in Infancy (SMEI). Identifiers: Orphanet 33069, MedGen C0751122, MONDO:0100135, OMIM 607208.

Allele frequency attached by ClinVar (database versions not stated): gnomAD exomes below 0.00001; gnomAD 0.00001; TOPMed 0.00001; ESP Exome Variant Server 0.00008.
gnomAD v4.1: 4 of 1,613,748 alleles (0.00025%); highest among the groups gnomAD compares: African/African-American, 0.0027%; no homozygotes.

Submission:

Labcorp Genetics (formerly Invitae), Labcorp
Classification: Uncertain significance for Severe myoclonic epilepsy in infancy. Last evaluated: 2021-08-26. Review status: criteria provided, single submitter. Criteria: Invitae Variant Classification Sherloc (09022015). Collection method: clinical testing. Allele origin: germline.
Comment: This sequence change replaces asparagine with serine at codon 176 of the SNX27 protein (p.Asn176Ser). The asparagine residue is highly conserved and there is a small physicochemical difference between asparagine and serine. This variant is not present in population databases (ExAC no frequency). This variant has not been reported in the literature in individuals affected with SNX27-related conditions. Algorithms developed to predict the effect of missense changes on protein structure and function are either unavailable or do not agree on the potential impact of this missense change (SIFT: "Deleterious"; PolyPhen-2: "Benign"; Align-GVGD: "Class C0"). In summary, the available evidence is currently insufficient to determine the role of this variant in disease. Therefore, it has been classified as a Variant of Uncertain Significance.